The following is an entry in ClinVar:

NM_000417.3(IL2RA):c.655+1G>A

Gene: IL2RA (interleukin 2 receptor subunit alpha; minus strand). Cytogenetic location: 10p15.1.
Variant type: single nucleotide variant.
Coding change: c.655+1G>A on transcript NM_000417.3 (MANE Select); the canonical splice donor site of the intron after coding-DNA position 655, G replaced by A.
Molecular consequence: splice donor variant. On other transcripts: intron variant (1).
Genome position (GRCh38, 1-based): chr10:6,019,869, C>T on the plus strand (G>A on the coding strand, the complement: IL2RA is on the minus strand). VCF-style: chr10-6019869-C-T. GRCh37 (hg19) VCF-style: chr10-6061832-C-T.
Other names: c.368-370G>A (NM_001308243.2); c.439+1G>A (NM_001308242.2).
Identifiers: ClinVar variation 1948192 (VCV001948192.5), dbSNP rs1250584991, ClinGen allele CA375925279.
Genomic context (GRCh38, chr10:6,019,869, plus strand): 5'-CTGGTCACCTCTGCCCTTTTGGACTAGGCCTCTGTGGTCCAGCGTTTGTCTTCTCCCGCA[C>T]CTGTTGTTGTGACGAGGCAGGAAGTCTCACTCTCAGGACGGCCTTCGGGGCTTGCCTGAG-3'

ClinVar aggregate classification (germline): Likely pathogenic (1 of 4 stars; one submission).

Conditions:
Immunodeficiency due to CD25 deficiency. Also called: CD25 DEFICIENCY; IMMUNODEFICIENCY 41 WITH LYMPHOPROLIFERATION AND AUTOIMMUNITY; IL2RA DEFICIENCY. Identifiers: Orphanet 169100, MedGen C1853392, MONDO:0011664, OMIM 606367.

Allele frequency attached by ClinVar (database versions not stated): TOPMed below 0.00001; gnomAD 0.00001.
gnomAD v4.1: 13 of 1,613,922 alleles (0.00081%); highest among the groups gnomAD compares: East Asian, 0.018%; no homozygotes.

Submission:

Labcorp Genetics (formerly Invitae), Labcorp
Classification: Likely pathogenic for Immunodeficiency due to CD25 deficiency. Last evaluated: 2023-04-09. Review status: criteria provided, single submitter. Criteria: Invitae Variant Classification Sherloc (09022015). Collection method: clinical testing. Allele origin: germline.
Comment: In summary, the currently available evidence indicates that the variant is pathogenic, but additional data are needed to prove that conclusively. Therefore, this variant has been classified as Likely Pathogenic. Algorithms developed to predict the effect of sequence changes on RNA splicing suggest that this variant may disrupt the consensus splice site. ClinVar contains an entry for this variant (Variation ID: 1948192). This variant has not been reported in the literature in individuals affected with IL2RA-related conditions. This variant is present in population databases (no rsID available, gnomAD 0.01%). This sequence change affects a donor splice site in intron 5 of the IL2RA gene. It is expected to disrupt RNA splicing. Variants that disrupt the donor or acceptor splice site typically lead to a loss of protein function (PMID: 16199547), and loss-of-function variants in IL2RA are known to be pathogenic (PMID: 9096364, 17196245).

Literature cited by the submitters: PubMed 16199547; PubMed 9096364; PubMed 17196245.